The following is an entry in ClinVar:

NM_001159699.2(FHL1):c.498C>T (p.Cys166=)

Gene: FHL1 (four and a half LIM domains 1; plus strand). Cytogenetic location: Xq26.3.
Variant type: single nucleotide variant.
Coding change: c.498C>T on transcript NM_001159699.2 (MANE Select); coding-DNA position 498, C replaced by T.
Protein change: p.Cys166=; no amino-acid change (cysteine 166 retained).
Molecular consequence: synonymous variant. On other transcripts: non-coding transcript variant (1).
Genome position (GRCh38, 1-based): chrX:136,207,910, C>T. VCF-style: chrX-136207910-C-T. GRCh37 (hg19) VCF-style: chrX-135290069-C-T.
Other names: p.Cys150=; c.450C>T, p.Cys150= (NM_001159700.2, NM_001159702.3, NM_001159703.2 and 9 more transcripts); c.537C>T, p.Cys179= (NM_001159701.2); c.498C>T, p.Cys166= (NM_001330659.2); c.450C>T (NM_001159702.2).
Identifiers: ClinVar variation 284513 (VCV000284513.23), dbSNP rs145445372, ClinGen allele CA10525017.
Genomic context (GRCh38, chrX:136,207,910, plus strand): 5'-TAACTGCAAGCAAGTCATCGGGACTGGAAGCTTCTTCCCTAAAGGGGAGGACTTCTACTG[C>T]GTGACTTGCCATGAGACCAAGTTTGCCAAGCATTGCGTGAAGTGCAACAAGGTATGCTTT-3'
Protein context (NP_001153171.1, residues 156-176): SFFPKGEDFY[Cys166=]VTCHETKFAK

ClinVar aggregate classification (germline): Benign/Likely benign. Review status: criteria provided, multiple submitters, no conflicts (2 of 4 stars). 9 submissions from 9 submitters: Benign (7); Likely benign (1). 1 of the submissions does not count toward it. Last evaluated 2026-02-01.

Conditions:
FHL1-related disorder. Also called: FHL1-related disorders; FHL1-related condition.
Cardiovascular phenotype. Identifiers: MedGen CN230736.
X-linked myopathy with postural muscle atrophy. Also called: FHL1-Related Emery-Dreifuss Muscular Dystrophy, X-Linked. Identifiers: Orphanet 178461, MedGen C2678055, MONDO:0010401, OMIM 300696.

Allele frequency attached by ClinVar (database versions not stated): ESP Exome Variant Server 0.00057; gnomAD exomes 0.00074 and 0.00177; gnomAD 0.00107 and 0.00120; TOPMed 0.00154; ExAC 0.00181; 1000 Genomes Project 30x 0.00416; 1000 Genomes Project 0.00503.
gnomAD v4.1: 957 of 1,210,957 alleles (0.079%); highest among the groups gnomAD compares: East Asian, 1.4%; 3 homozygotes.

Submissions (9):

Labcorp Genetics (formerly Invitae), Labcorp
Classification: Benign for X-linked myopathy with postural muscle atrophy. Last evaluated: 2026-02-01. Review status: criteria provided, single submitter. Criteria: Invitae Variant Classification Sherloc (09022015). Collection method: clinical testing. Allele origin: germline.

Molecular Diagnostic Laboratory for Inherited Cardiovascular Disease, Montreal Heart Institute
Classification: Benign. Last evaluated: 2025-04-09. Review status: criteria provided, single submitter. Criteria: ACMG Guidelines, 2015. Collection method: clinical testing. Allele origin: germline. Affected: no.

Mayo Clinic Laboratories, Mayo Clinic
Classification: Benign. Last evaluated: 2025-04-01. Review status: criteria provided, single submitter. Criteria: ACMG Guidelines, 2015. Collection method: clinical testing. Allele origin: germline. Observed: 2 variant alleles.
Comment: BA1

Women's Health and Genetics/Laboratory Corporation of America, LabCorp
Classification: Benign. Last evaluated: 2025-03-07. Review status: criteria provided, single submitter. Criteria: LabCorp Variant Classification Summary - May 2015. Collection method: clinical testing. Allele origin: germline.

Blueprint Genetics
Classification: Likely benign. Last evaluated: 2024-11-27. Review status: criteria provided, single submitter. Criteria: ACMG Guidelines, 2015. Collection method: clinical testing. Allele origin: germline.

Ambry Genetics
Classification: Benign for Cardiovascular phenotype. Last evaluated: 2019-01-09. Review status: criteria provided, single submitter. Criteria: Ambry Variant Classification Scheme 2023. Collection method: clinical testing. Allele origin: germline.

GeneDx
Classification: Benign. Last evaluated: 2018-05-11. Review status: criteria provided, single submitter. Criteria: GeneDx Variant Classification (06012015). Collection method: clinical testing. Allele origin: germline. Affected: yes.
Comment: This variant is considered likely benign or benign based on one or more of the following criteria: it is a conservative change, it occurs at a poorly conserved position in the protein, it is predicted to be benign by multiple in silico algorithms, and/or has population frequency not consistent with disease.

Eurofins Ntd Llc (ga)
Classification: Benign. Last evaluated: 2016-02-02. Review status: criteria provided, single submitter. Criteria: EGL Classification Definitions 2015. Collection method: clinical testing. Allele origin: germline. Observed: 1 variant allele, 1 heterozygote.

PreventionGenetics, part of Exact Sciences
Classification: Benign for FHL1-related condition. Last evaluated: 2019-05-08. Review status: no assertion criteria provided. Collection method: clinical testing. Allele origin: germline. Not counted in ClinVar's aggregate classification.
Comment: This variant is classified as benign based on ACMG/AMP sequence variant interpretation guidelines (Richards et al. 2015 PMID: 25741868, with internal and published modifications).